The following is an entry in ClinVar:

ClinVar aggregate classification (germline): Pathogenic (1 of 4 stars; one submission).

Conditions:
X-linked immunodeficiency with magnesium defect, Epstein-Barr virus infection and neoplasia. Identifiers: Orphanet 317476, MedGen C3275445, MONDO:0010455, OMIM 300853.

Submission:

Labcorp Genetics (formerly Invitae), Labcorp
Classification: Pathogenic for X-linked immunodeficiency with magnesium defect, Epstein-Barr virus infection and neoplasia. Last evaluated: 2025-03-17. Review status: criteria provided, single submitter. Criteria: Invitae Variant Classification Sherloc (09022015). Collection method: clinical testing. Allele origin: germline.
Comment: This sequence change creates a premature translational stop signal (p.Gly284Argfs*4) in the MAGT1 gene. It is expected to result in an absent or disrupted protein product. Loss-of-function variants in MAGT1 are known to be pathogenic (PMID: 24550228). This variant is not present in population databases (gnomAD no frequency). This variant has not been reported in the literature in individuals affected with MAGT1-related conditions. ClinVar contains an entry for this variant (Variation ID: 2120336). For these reasons, this variant has been classified as Pathogenic.

Literature cited by the submitters: PubMed 24550228.

NM_001367916.1(MAGT1):c.751_752dup (p.Gly252fs)

Gene: MAGT1 (magnesium transporter 1; minus strand). Cytogenetic location: Xq21.1.
Variant type: Microsatellite.
Coding change: c.751_752dup on transcript NM_001367916.1 (MANE Select); coding-DNA positions 751 to 752, 2 bases duplicated (AC; older notation c.751_752dupAC).
Protein change: p.Gly252fs; shifts the reading frame from glycine 252.
Molecular consequence: frameshift variant.
Genome position (GRCh38, 1-based): chrX:77,855,511-77,855,512, GT duplicated on the plus strand (AC on the coding strand, the reverse complement: MAGT1 is on the minus strand); duplicating any 2 consecutive bases within chrX:77,855,511-77,855,515 gives the same sequence; the c. name uses the placement nearest the transcript's 3' end. VCF-style (leftmost placement, unchanged base first): chrX-77855510-C-CGT. GRCh37 (hg19) VCF-style: chrX-77111007-C-CGT.
Other names: c.847_848dup, p.Gly284fs (NM_032121.5); short protein forms G284fs, G252fs.
Identifiers: ClinVar variation 2120336 (VCV002120336.4), dbSNP rs2521993517, ClinGen allele CA2580612377.
Genomic context (GRCh38, chrX:77,855,510, plus strand): 5'-CATTGAGTTAACTTTGGTCTACAAAGGAAAGAAATCCCAGACTTCCCTTACCACATGTCC[C>CGT]GTGTGGGGATTCTTATGGGCATATGGTGGTCCTCTTATATGGTTCCACATTTGACCAGAT-3'